The following is an entry in ClinVar:

ClinVar aggregate classification (germline): Uncertain significance (1 of 4 stars; one submission).

Submission:

GeneDx
Classification: Uncertain significance. Last evaluated: 2024-04-06. Review status: criteria provided, single submitter. Criteria: GeneDx Variant Classification Process June 2021. Collection method: clinical testing. Allele origin: germline. Affected: yes.
Comment: Not observed at significant frequency in large population cohorts (gnomAD); In silico analysis supports that this missense variant has a deleterious effect on protein structure/function; Has not been previously published as pathogenic or benign to our knowledge

NM_020791.4(TAOK1):c.2363T>A (p.Leu788Gln)

Gene: TAOK1 (TAO kinase 1; plus strand). Cytogenetic location: 17q11.2.
Variant type: single nucleotide variant.
Coding change: c.2363T>A on transcript NM_020791.4 (MANE Select); coding-DNA position 2363, T replaced by A.
Protein change: p.Leu788Gln; replaces leucine 788 with glutamine.
Molecular consequence: missense variant.
Genome position (GRCh38, 1-based): chr17:29,534,119, T>A. VCF-style: chr17-29534119-T-A. GRCh37 (hg19) VCF-style: chr17-27861137-T-A.
Other names: c.1919T>A, p.Leu640Gln (NM_025142.1); short protein forms L640Q, L788Q.
Identifiers: ClinVar variation 3371401 (VCV003371401.1).